The following is an entry in ClinVar:

NM_018060.4(IARS2):c.601C>T (p.Arg201Cys)

Gene: IARS2 (isoleucyl-tRNA synthetase 2, mitochondrial; plus strand). Cytogenetic location: 1q41.
Variant type: single nucleotide variant.
Coding change: c.601C>T on transcript NM_018060.4 (MANE Select); coding-DNA position 601, C replaced by T.
Protein change: p.Arg201Cys; replaces arginine 201 with cysteine.
Molecular consequence: missense variant.
Genome position (GRCh38, 1-based): chr1:220,102,179, C>T. VCF-style: chr1-220102179-C-T. GRCh37 (hg19) VCF-style: chr1-220275521-C-T.
Other names: short protein forms R201C.
Identifiers: ClinVar variation 1032783 (VCV001032783.1), dbSNP rs768101579, ClinGen allele CA1401166.
Genomic context (GRCh38, chr1:220,102,179, plus strand): 5'-TTTTTTTTAGCTAGATCATTTGCTAAAGCAGCCATTGAGAAACAGAAATCAGCATTTATT[C>T]GTTGGGGAATAATGGCAGATTGGAATAATTGCTACTATACATTTGATGGGAAGTATGAAG-3'
Protein context (NP_060530.3, residues 191-211): AIEKQKSAFI[Arg201Cys]WGIMADWNNC

ClinVar aggregate classification (germline): Uncertain significance (1 of 4 stars; one submission).

Conditions:
Cataract-growth hormone deficiency-sensory neuropathy-sensorineural hearing loss-skeletal dysplasia syndrome. Also called: Cataracts, growth hormone deficiency, sensory neuropathy, sensorineural hearing loss, and skeletal dysplasia. Identifiers: Orphanet 436174, MedGen C4014942, MONDO:0014455, OMIM 616007.

Allele frequency attached by ClinVar (database versions not stated): TOPMed below 0.00001; ExAC 0.00001; gnomAD exomes 0.00001.
gnomAD v4.1: 15 of 1,611,012 alleles (0.00093%); highest among the groups gnomAD compares: African/African-American, 0.0027%; no homozygotes.

Submission:

Baylor Genetics
Classification: Uncertain significance for Cataract-growth hormone deficiency-sensory neuropathy-sensorineural hearing loss-skeletal dysplasia syndrome. Last evaluated: 2018-03-16. Review status: criteria provided, single submitter. Criteria: ACMG Guidelines, 2015. Collection method: clinical testing. Allele origin: paternal. Affected: yes.
Comment: This variant was determined to be of uncertain significance according to ACMG Guidelines, 2015 [PMID:25741868]. The c.1821G>A (p.W607*) variant has been previously reported in one individual affected with Leigh syndrome [PMID 25130867]

Literature cited by the submitters: PubMed 25130867.